The following is an entry in ClinVar:

ClinVar aggregate classification (germline): Uncertain significance. Review status: criteria provided, multiple submitters, no conflicts (2 of 4 stars). 2 submissions from 2 submitters: Uncertain significance (2). Last evaluated 2025-12-05.

Conditions:
Inborn genetic diseases. Identifiers: MedGen C0950123, MeSH D030342.

Submissions (2):

Ambry Genetics
Classification: Uncertain significance for Inborn genetic diseases. Last evaluated: 2025-12-05. Review status: criteria provided, single submitter. Criteria: Ambry Variant Classification Scheme 2023. Collection method: clinical testing. Allele origin: germline.
Comment: The p.E678K variant (also known as c.2032G>A), located in coding exon 1 of the SAMD9L gene, results from a G to A substitution at nucleotide position 2032. The glutamic acid at codon 678 is replaced by lysine, an amino acid with similar properties. This amino acid position is conserved. In addition, this alteration is predicted to be tolerated by in silico analysis. Based on the available evidence, the clinical significance of this variant remains unclear.

Labcorp Genetics (formerly Invitae), Labcorp
Classification: Uncertain significance. Last evaluated: 2025-05-19. Review status: criteria provided, single submitter. Criteria: Invitae Variant Classification Sherloc (09022015). Collection method: clinical testing. Allele origin: germline.
Comment: This sequence change replaces glutamic acid, which is acidic and polar, with lysine, which is basic and polar, at codon 678 of the SAMD9L protein (p.Glu678Lys). This variant is not present in population databases (gnomAD no frequency). This variant has not been reported in the literature in individuals affected with SAMD9L-related conditions. ClinVar contains an entry for this variant (Variation ID: 2745854). Invitae Evidence Modeling of protein sequence and biophysical properties (such as structural, functional, and spatial information, amino acid conservation, physicochemical variation, residue mobility, and thermodynamic stability) indicates that this missense variant is not expected to disrupt SAMD9L protein function with a negative predictive value of 80%. In summary, the available evidence is currently insufficient to determine the role of this variant in disease. Therefore, it has been classified as a Variant of Uncertain Significance.

NM_152703.5(SAMD9L):c.2032G>A (p.Glu678Lys)

Gene: SAMD9L (sterile alpha motif domain containing 9 like; minus strand). Cytogenetic location: 7q21.2.
Variant type: single nucleotide variant.
Coding change: c.2032G>A on transcript NM_152703.5 (MANE Select); coding-DNA position 2032, G replaced by A.
Protein change: p.Glu678Lys; replaces glutamic acid 678 with lysine.
Molecular consequence: missense variant.
Genome position (GRCh38, 1-based): chr7:93,133,940, C>T on the plus strand (G>A on the coding strand, the complement: SAMD9L is on the minus strand). VCF-style: chr7-93133940-C-T. GRCh37 (hg19) VCF-style: chr7-92763253-C-T.
Other names: c.2032G>A (NM_152703.2); c.2032G>A, p.Glu678Lys (NM_001350085.2, NM_001303496.3, NM_001303497.3 and 5 more transcripts); short protein forms E678K.
Identifiers: ClinVar variation 2745854 (VCV002745854.4), dbSNP rs1459788150, ClinGen allele CA368193493.
Genomic context (GRCh38, chr7:93,133,940, plus strand): 5'-AGTTCCACCAGGATACTTTGCCACCTCGATAAAAGTGTTCTTCTTTTGATTTCTTAAACT[C>T]CAGGAATTTAGATTTGTCTTTCTCGATGTCTGTCTCTGTACACTCATTTTCACAGAGGAT-3'
Protein context (NP_689916.2, residues 668-688): DIEKDKSKFL[Glu678Lys]FKKSKEEHFY